The following is an entry in ClinVar:

NM_198428.3(BBS9):c.1386A>T (p.Gln462His)

Gene: BBS9 (Bardet-Biedl syndrome 9; plus strand). Cytogenetic location: 7p14.3.
Variant type: single nucleotide variant.
Coding change: c.1386A>T on transcript NM_198428.3 (MANE Select); coding-DNA position 1386, A replaced by T.
Protein change: p.Gln462His; replaces glutamine 462 with histidine.
Molecular consequence: missense variant. On other transcripts: non-coding transcript variant (3).
Genome position (GRCh38, 1-based): chr7:33,349,124, A>T. VCF-style: chr7-33349124-A-T. GRCh37 (hg19) VCF-style: chr7-33388736-A-T.
Other names: c.1386A>T, p.Gln462His (NM_001033604.2, NM_001033605.2, NM_001348036.1 and 5 more transcripts); c.1020A>T, p.Gln340His (NM_001348037.3, NM_001348044.3, NM_001348045.3 and 1 more transcripts); c.1113A>T, p.Gln371His (NM_001348038.3, NM_001348039.3); c.1251A>T, p.Gln417His (NM_001348042.3); short protein forms Q340H, Q462H, Q371H, Q417H.
Identifiers: ClinVar variation 4996876 (VCV004996876.1).

ClinVar aggregate classification (germline): Uncertain significance (1 of 4 stars; one submission).

Conditions:
BBS9-related disorder. Also called: BBS9-related condition.

Submission:

PreventionGenetics, part of Exact Sciences
Classification: Uncertain significance for BBS9-related condition. Last evaluated: 2024-10-10. Review status: criteria provided, single submitter. Criteria: ACMG Guidelines, 2015. Collection method: clinical testing. Allele origin: germline.
Comment: The BBS9 c.1386A>T variant is predicted to result in the amino acid substitution p.Gln462His. To our knowledge, this variant has not been reported in the literature or in a large population database (gnomAD), indicating this variant is rare. At this time, the clinical significance of this variant is uncertain due to the absence of conclusive functional and genetic evidence.